The following is an entry in ClinVar:

NM_023036.6(DNAI2):c.982_983insTG (p.Thr328fs)

Gene: DNAI2 (dynein axonemal intermediate chain 2; plus strand). Cytogenetic location: 17q25.1.
Variant type: Insertion.
Coding change: c.982_983insTG on transcript NM_023036.6 (MANE Select); coding-DNA positions 982 to 983, TG inserted.
Protein change: p.Thr328fs; shifts the reading frame from threonine 328.
Molecular consequence: frameshift variant. On other transcripts: non-coding transcript variant (1).
Genome position: GRCh38 VCF-style: chr17-74301163-A-ATG. GRCh37 (hg19) VCF-style: chr17-72297302-A-ATG.
Other names: c.982_983insTG, p.Thr328fs (NM_001172810.3, NM_001353167.2); short protein forms T328fs.
Identifiers: ClinVar variation 5010548 (VCV005010548.1).

ClinVar aggregate classification (germline): Pathogenic (1 of 4 stars; one submission).

Conditions:
Primary ciliary dyskinesia 9. Also called: CILIARY DYSKINESIA, PRIMARY, 9, WITH OR WITHOUT SITUS INVERSUS. Identifiers: Orphanet 244, MedGen C2676235, MONDO:0012906, OMIM 612444.

Submission:

Myriad Genetics, Inc.
Classification: Pathogenic for Primary ciliary dyskinesia 9. Last evaluated: 2024-05-14. Review status: criteria provided, single submitter. Criteria: Myriad Autosomal Dominant, Autosomal Recessive and X-Linked Classification Criteria (2023). Collection method: clinical testing. Allele origin: unknown.
Comment: NM_023036.4(DNAI2):c.982_983insTG(T328Mfs*55) is expected to be pathogenic in the context of primary ciliary dyskinesia, DNAI2-related. This variant is predicted to lead to an abnormal or absent protein product due to the creation of a premature termination codon in DNAI2, a gene where loss-of-function variants are known to be pathogenic. Please note: this variant was assessed in the context of healthy population screening.